The following is an entry in ClinVar:

NC_000003.12:g.169764976G>A

Genes: TERC (telomerase RNA component; minus strand), LOC110806306 (telomerase RNA component (TERC) promoter; plus strand). Cytogenetic location: 3q26.2.
Variant type: single nucleotide variant.
Genome position: GRCh38 VCF-style: chr3-169764976-G-A. GRCh37 (hg19) VCF-style: chr3-169482764-G-A.
Identifiers: ClinVar variation 2733764 (VCV002733764.3), dbSNP rs2108183307, ClinGen allele CA436715851.

ClinVar aggregate classification (germline): Uncertain significance (1 of 4 stars; one submission).

Conditions:
Dyskeratosis congenita, autosomal dominant 1 (DKCA1). Also called: Dyskeratosis congenita Scoggins type. Identifiers: Orphanet 1775, MedGen C4551974, MONDO:0007485, OMIM 127550. Inheritance: Variable.

Submission:

Labcorp Genetics (formerly Invitae), Labcorp
Classification: Uncertain significance for Dyskeratosis congenita, autosomal dominant 1. Last evaluated: 2022-12-31. Review status: criteria provided, single submitter. Criteria: Invitae Variant Classification Sherloc (09022015). Collection method: clinical testing. Allele origin: germline.
Comment: This variant is located in a region of TERC in which a significant number of disease causing variants have been reported (PMID: 15082312, 21844345, 21931702). These observations suggest that this may be a clinically significant region. This variant has not been reported in the literature in individuals affected with TERC-related conditions. This variant is not present in population databases (gnomAD no frequency). This variant occurs in the TERC gene, which encodes an RNA molecule that does not result in a protein product. In summary, the available evidence is currently insufficient to determine the role of this variant in disease. Therefore, it has been classified as a Variant of Uncertain Significance. This variant is located within the template/pseudoknot domain of the TERC RNA component, which is required for RNA or RNP stability (PMID: 15082312, 21844345).

Literature cited by the submitters: PubMed 15082312; PubMed 21844345; PubMed 21931702.